The following is an entry in ClinVar:

NM_005518.4(HMGCS2):c.595G>A (p.Val199Ile)

Gene: HMGCS2 (3-hydroxy-3-methylglutaryl-CoA synthase 2; minus strand). Cytogenetic location: 1p12.
Variant type: single nucleotide variant.
Coding change: c.595G>A on transcript NM_005518.4 (MANE Select); coding-DNA position 595, G replaced by A.
Protein change: p.Val199Ile; replaces valine 199 with isoleucine.
Molecular consequence: missense variant. On other transcripts: intron variant (1).
Genome position (GRCh38, 1-based): chr1:119,759,954, C>T on the plus strand (G>A on the coding strand, the complement: HMGCS2 is on the minus strand). VCF-style: chr1-119759954-C-T. GRCh37 (hg19) VCF-style: chr1-120302577-C-T.
Other names: c.560-672G>A (NM_001166107.1); short protein forms V199I.
Identifiers: ClinVar variation 292337 (VCV000292337.14), dbSNP rs150140061, ClinGen allele CA1037842.

ClinVar aggregate classification (germline): Uncertain significance. Review status: criteria provided, multiple submitters, no conflicts (2 of 4 stars). 2 submissions from 2 submitters: Uncertain significance (2). Last evaluated 2022-04-25.

Conditions:
3-hydroxy-3-methylglutaryl-CoA synthase deficiency (HMGCS2D). Also called: MITOCHONDRIAL HMG-CoA SYNTHASE DEFICIENCY; HMG-CoA synthase-2 deficiency; HMGCS2 DEFICIENCY. Identifiers: Orphanet 35701, MedGen C2751532, MONDO:0011614, OMIM 605911.

Allele frequency attached by ClinVar (database versions not stated): ExAC 0.00002; gnomAD exomes 0.00003 and 0.00004; gnomAD 0.00004 and 0.00005; TOPMed 0.00004; ESP Exome Variant Server 0.00008.
gnomAD v4.1: 49 of 1,613,800 alleles (0.003%); highest among the groups gnomAD compares: African/African-American, 0.0027%; no homozygotes.

Submissions (2):

Labcorp Genetics (formerly Invitae), Labcorp
Classification: Uncertain significance for 3-hydroxy-3-methylglutaryl-CoA synthase deficiency. Last evaluated: 2022-04-25. Review status: criteria provided, single submitter. Criteria: Invitae Variant Classification Sherloc (09022015). Collection method: clinical testing. Allele origin: germline.
Comment: This sequence change replaces valine, which is neutral and non-polar, with isoleucine, which is neutral and non-polar, at codon 199 of the HMGCS2 protein (p.Val199Ile). This variant is present in population databases (rs150140061, gnomAD 0.06%). This variant has not been reported in the literature in individuals affected with HMGCS2-related conditions. ClinVar contains an entry for this variant (Variation ID: 292337). Algorithms developed to predict the effect of missense changes on protein structure and function are either unavailable or do not agree on the potential impact of this missense change (SIFT: "Tolerated"; PolyPhen-2: "Probably Damaging"; Align-GVGD: "Class C0"). In summary, the available evidence is currently insufficient to determine the role of this variant in disease. Therefore, it has been classified as a Variant of Uncertain Significance.

Illumina Laboratory Services, Illumina
Classification: Uncertain significance for 3-hydroxy-3-methylglutaryl-CoA synthase deficiency. Last evaluated: 2018-01-13. Review status: criteria provided, single submitter. Criteria: ICSL Variant Classification Criteria 13 December 2019. Collection method: clinical testing. Allele origin: germline.